The following is an entry in ClinVar:

NM_001277115.2(DNAH11):c.1426-2A>G

Gene: DNAH11 (dynein axonemal heavy chain 11; plus strand). Cytogenetic location: 7p15.3.
Variant type: single nucleotide variant.
Coding change: c.1426-2A>G on transcript NM_001277115.2 (MANE Select); the canonical splice acceptor site of the intron before coding-DNA position 1426, A replaced by G.
Molecular consequence: splice acceptor variant.
Genome position (GRCh38, 1-based): chr7:21,571,804, A>G. VCF-style: chr7-21571804-A-G. GRCh37 (hg19) VCF-style: chr7-21611422-A-G.
Identifiers: ClinVar variation 419646 (VCV000419646.7), dbSNP rs1064794014, ClinGen allele CA16618448.
Genomic context (GRCh38, chr7:21,571,804, plus strand): 5'-AAACTTTAAAATATTTTGCTGCTCAATGTAGTGGAAAGGTCTTTACTGTGTTTTTTACAA[A>G]GGATATATTTGCCACCACTTTGGAATTTGAAAAGCTGGAAAGACTGGAATTTGGTGGTAC-3'

ClinVar aggregate classification (germline): Conflicting classifications of pathogenicity. Review status: criteria provided, conflicting classifications (1 of 4 stars). 4 submissions from 4 submitters: Pathogenic (1); Likely pathogenic (2); Uncertain significance (1). Last evaluated 2025-02-11.

Conditions:
Primary ciliary dyskinesia 7. Also called: CILIARY DYSKINESIA, PRIMARY, 7, WITH OR WITHOUT SITUS INVERSUS. Identifiers: Orphanet 244, MedGen C2678473, MONDO:0012748, OMIM 611884.
Primary ciliary dyskinesia. Also called: Ciliary dyskinesia. Identifiers: Orphanet 244, MedGen C0008780, MONDO:0016575, HP:0012265.

Allele frequency attached by ClinVar (database versions not stated): gnomAD exomes below 0.00001.
gnomAD v4.1: 1 of 1,604,042 alleles (0.000062%); highest among the groups gnomAD compares: Non-Finnish European, 0.000085%; no homozygotes.

Submissions (4):

Broad Center for Mendelian Genomics, Broad Institute of MIT and Harvard
Classification: Likely pathogenic for Primary ciliary dyskinesia 7. Last evaluated: 2025-02-11. Review status: criteria provided, single submitter. Criteria: ACMG Guidelines, 2015. Collection method: curation. Allele origin: germline. Inheritance: Autosomal recessive inheritance.
Comment: The c.1426-2A>G variant in DNAH11 has not been previously reported in the literature in individuals with primary ciliary dyskinesia, but has been identified in 0.00008% (1/1176692) of European (non-Finnish) chromosomes by the Genome Aggregation Database (gnomAD; dbSNP ID: rs1064794014). Although this variant has been seen in the general population in a heterozygous state, its frequency is low enough to be consistent with a recessive carrier frequency. This variant has also been reported in ClinVar (Variation ID: 419646) and has been interpreted as pathogenic by GeneDx and likely pathogenic by Invitae. This variant is located in the 5' splice region. SpliceAI predictions indicate use of an out-of-frame cryptic splice site 1 base from the intron-exon boundary, providing evidence that this variant may cause a frameshift and lead to a premature termination codon downstream. This alteration is then predicted to lead to a truncated or absent protein. However, this information is not predictive enough to determine pathogenicity. Loss of function of the DNAH11 gene is an established disease mechanism in autosomal recessive primary ciliary dyskinesia. In summary, although additional studies are required to fully establish its clinical significance, this variant is likely pathogenic for autosomal recessive primary ciliary dyskinesia. ACMG/AMP Criteria applied: PVS1, PM2_supporting (Richards 2015).

Blueprint Genetics
Classification: Uncertain significance. Last evaluated: 2024-01-12. Review status: criteria provided, single submitter. Criteria: ACMG Guidelines, 2015. Collection method: clinical testing. Allele origin: germline.

Labcorp Genetics (formerly Invitae), Labcorp
Classification: Likely pathogenic for Primary ciliary dyskinesia. Last evaluated: 2023-01-02. Review status: criteria provided, single submitter. Criteria: Invitae Variant Classification Sherloc (09022015). Collection method: clinical testing. Allele origin: germline.
Comment: This sequence change affects an acceptor splice site in intron 7 of the DNAH11 gene. It is expected to disrupt RNA splicing. Variants that disrupt the donor or acceptor splice site typically lead to a loss of protein function (PMID: 16199547), and loss-of-function variants in DNAH11 are known to be pathogenic (PMID: 18022865, 20513915, 22184204). In summary, the currently available evidence indicates that the variant is pathogenic, but additional data are needed to prove that conclusively. Therefore, this variant has been classified as Likely Pathogenic. Algorithms developed to predict the effect of sequence changes on RNA splicing suggest that this variant may disrupt the consensus splice site. ClinVar contains an entry for this variant (Variation ID: 419646). Disruption of this splice site has been observed in individual(s) with clinical features of primary ciliary dyskinesia (Invitae). This variant is not present in population databases (gnomAD no frequency).

GeneDx
Classification: Pathogenic. Last evaluated: 2015-08-27. Review status: criteria provided, single submitter. Criteria: GeneDx Variant Classification (06012015). Collection method: clinical testing. Allele origin: germline. Affected: yes.
Comment: The c.1426-2A>G variant in the DNAH11 gene has not been reported previously as a pathogenic variant nor as a benign polymorphism, to our knowledge. This splice site variant destroys the canonical splice acceptor site in intron 7. It is predicted to cause abnormal gene splicing, either leading to an abnormal message that is subject to nonsense-mediated mRNA decay, or to an abnormal protein product if the message is used for protein translation. Furthermore, the c.1426-2A>G variant was not observed in approximately 5,800 individuals of European and African American ancestry in the NHLBI Exome Sequencing Project, indicating it is not a common benign variant in these populations. Therefore, we interpret c.1426-2A>G as a pathogenic variant.

Literature cited by the submitters: PubMed 16199547 (cited by Labcorp Genetics (formerly Invitae), Labcorp); PubMed 18022865 (cited by Labcorp Genetics (formerly Invitae), Labcorp); PubMed 20513915 (cited by Labcorp Genetics (formerly Invitae), Labcorp); PubMed 22184204 (cited by Labcorp Genetics (formerly Invitae), Labcorp).